The following is an entry in ClinVar:

NM_152443.3(RDH12):c.202A>G (p.Ile68Val)

Genes: GPHN (gephyrin; plus strand), RDH12 (retinol dehydrogenase 12; plus strand). Cytogenetic location: 14q24.1.
Variant type: single nucleotide variant.
Coding change: c.202A>G on transcript NM_152443.3 (MANE Select); coding-DNA position 202, A replaced by G.
Protein change: p.Ile68Val; replaces isoleucine 68 with valine.
Molecular consequence: missense variant.
Genome position (GRCh38, 1-based): chr14:67,725,113, A>G. VCF-style: chr14-67725113-A-G. GRCh37 (hg19) VCF-style: chr14-68191830-A-G.
Other names: short protein forms I68V.
Identifiers: ClinVar variation 1438983 (VCV001438983.6), dbSNP rs748754343, ClinGen allele CA7238646.

ClinVar aggregate classification (germline): Uncertain significance. Review status: criteria provided, multiple submitters, no conflicts (2 of 4 stars). 2 submissions from 2 submitters: Uncertain significance (2). Last evaluated 2025-05-11.

Conditions:
Leber congenital amaurosis 13 (LCA13). Identifiers: MedGen C2675186, MONDO:0012990, OMIM 612712.

Allele frequency attached by ClinVar (database versions not stated): ExAC 0.00001; gnomAD 0.00002; gnomAD exomes 0.00002 and 0.00004; TOPMed 0.00002.
gnomAD v4.1: 15 of 1,614,042 alleles (0.00093%); highest among the groups gnomAD compares: Admixed American, 0.025%; no homozygotes.

Submissions (2):

Labcorp Genetics (formerly Invitae), Labcorp
Classification: Uncertain significance for Leber congenital amaurosis 13. Last evaluated: 2025-05-11. Review status: criteria provided, single submitter. Criteria: Invitae Variant Classification Sherloc (09022015). Collection method: clinical testing. Allele origin: germline.
Comment: This sequence change replaces isoleucine, which is neutral and non-polar, with valine, which is neutral and non-polar, at codon 68 of the RDH12 protein (p.Ile68Val). This variant is present in population databases (rs748754343, gnomAD 0.03%). This variant has not been reported in the literature in individuals affected with RDH12-related conditions. ClinVar contains an entry for this variant (Variation ID: 1438983). Invitae Evidence Modeling of protein sequence and biophysical properties (such as structural, functional, and spatial information, amino acid conservation, physicochemical variation, residue mobility, and thermodynamic stability) indicates that this missense variant is not expected to disrupt RDH12 protein function with a negative predictive value of 80%. In summary, the available evidence is currently insufficient to determine the role of this variant in disease. Therefore, it has been classified as a Variant of Uncertain Significance.

Blueprint Genetics
Classification: Uncertain significance. Last evaluated: 2019-08-02. Review status: criteria provided, single submitter. Criteria: ACMG Guidelines, 2015. Collection method: clinical testing. Allele origin: germline.